The following is an entry in ClinVar:

NM_006648.4(WNK2):c.4865T>C (p.Leu1622Ser)

Gene: WNK2 (WNK lysine deficient protein kinase 2; plus strand). Cytogenetic location: 9q22.31.
Variant type: single nucleotide variant.
Coding change: c.4865T>C on transcript NM_006648.4 (MANE Select); coding-DNA position 4865, T replaced by C.
Protein change: p.Leu1622Ser; replaces leucine 1622 with serine.
Molecular consequence: missense variant.
Genome position (GRCh38, 1-based): chr9:93,289,619, T>C. VCF-style: chr9-93289619-T-C. GRCh37 (hg19) VCF-style: chr9-96051901-T-C.
Other names: c.4976T>C, p.Leu1659Ser (NM_001282394.3); short protein forms L1622S, L1659S.
Identifiers: ClinVar variation 3982071 (VCV003982071.1).

ClinVar aggregate classification (germline): Uncertain significance (1 of 4 stars; one submission).

gnomAD v4.1: 3 of 1,466,566 alleles (0.0002%); highest among the groups gnomAD compares: East Asian, 0.0072%; no homozygotes.

Submission:

Ambry Genetics
Classification: Uncertain significance. Last evaluated: 2025-05-18. Review status: criteria provided, single submitter. Criteria: Ambry Variant Classification Scheme 2023. Collection method: clinical testing. Allele origin: germline.
Comment: The p.L1622S variant (also known as c.4865T>C), located in coding exon 19 of the WNK2 gene, results from a T to C substitution at nucleotide position 4865. The leucine at codon 1622 is replaced by serine, an amino acid with dissimilar properties. This amino acid position is conserved. In addition, this alteration is predicted to be tolerated by in silico analysis. Based on the available evidence, the clinical significance of this variant remains unclear.